The following is an entry in ClinVar:

ClinVar aggregate classification (germline): Uncertain significance (1 of 4 stars; one submission).

Conditions:
Beta-thalassemia HBB/LCRB. Identifiers: MedGen CN322236, MONDO:0013517, OMIM 613985.

Allele frequency attached by ClinVar (database versions not stated): gnomAD exomes below 0.00001.

Submission:

MVZ Dr. Eberhard & Partner Dortmund
Classification: Uncertain significance for Beta-thalassemia HBB/LCRB. Last evaluated: 2024-03-25. Review status: criteria provided, single submitter. Criteria: ACMG Guidelines, 2015. Collection method: clinical testing. Allele origin: unknown.
Comment: The variant c.-124A>T, which has not yet been described in the literature, is present in the 5'-non-coding region of HBB. It is located in the highly conserved CCAAT box in the promoter of the HBB gene. Pathogenic variants have been described in this region, which clinically manifest themselves in a rather mild beta-thalassemia with slightly elevated HbA2 value (e.g. c.-122T>A causative of beta+-thalassemia, c.-123A>T causative of beta+ +-thalassemia). We therefore assume that c.-124A>T is also probably the cause of a rather mild beta-thalassemia (beta+ or beta++-thalassemia). However, a final assessment of the variant cannot be made based on the current data, so we currently view - c.-124A>T as a variant with unclear pathogenetic relevance.

Literature cited by the submitters: PubMed 23637309; PubMed 28503568; PubMed 17516066.

NM_000518.4(HBB):c.-124A>T

Genes: HBB (hemoglobin subunit beta; minus strand), LOC106099062 (HBB recombination region; plus strand), LOC107133510 (origin of replication at HBB; plus strand). Cytogenetic location: 11p15.4.
Variant type: single nucleotide variant.
Coding change: c.-124A>T on transcript NM_000518.4; 124 bases upstream of the start codon, A replaced by T.
Genome position (GRCh38, 1-based): chr11:5,227,145, T>A on the plus strand (A>T on the coding strand, the complement: HBB is on the minus strand). VCF-style: chr11-5227145-T-A. GRCh37 (hg19) VCF-style: chr11-5248375-T-A.
Identifiers: ClinVar variation 3233358 (VCV003233358.1), dbSNP rs2494297664, ClinGen allele CA2579829286.
Genomic context (GRCh38, chr11:5,227,145, plus strand): 5'-CTCTGCCCTGACTTTTATGCCCAGCCCTGGCTCCTGCCCTCCCTGCTCCTGGGAGTAGAT[T>A]GGCCAACCCTAGGGTGTGGCTCCACAGGGTGAGGTCTAAGTGATGACAGCCGTACCTGTC-3'